The following is an entry in ClinVar:

NM_006846.4(SPINK5):c.427A>G (p.Ile143Val)

Gene: SPINK5 (serine peptidase inhibitor Kazal type 5; plus strand). Cytogenetic location: 5q32.
Variant type: single nucleotide variant.
Coding change: c.427A>G on transcript NM_006846.4 (MANE Select); coding-DNA position 427, A replaced by G.
Protein change: p.Ile143Val; replaces isoleucine 143 with valine.
Molecular consequence: missense variant.
Genome position (GRCh38, 1-based): chr5:148,088,558, A>G. VCF-style: chr5-148088558-A-G. GRCh37 (hg19) VCF-style: chr5-147468121-A-G.
Other names: c.427A>G, p.Ile143Val (NM_001127698.2, NM_001127699.2); short protein forms I143V.
Identifiers: ClinVar variation 1944522 (VCV001944522.5), dbSNP rs1048802304, ClinGen allele CA361890146.
Genomic context (GRCh38, chr5:148,088,558, plus strand): 5'-TTCTGTGATATTAAACTGCTGTGTCTACTAACTTTTGATTCTAGGAAAACCGGGTCCCAA[A>G]TTGGTGTAAAAAGTGAAGGGGAATGTAAGAGCAGTAATCCAGAGCAGGTGAGGTCAATTG-3'
Protein context (NP_006837.2, residues 133-153): CAENAKTGSQ[Ile143Val]GVKSEGECKS

ClinVar aggregate classification (germline): Uncertain significance (1 of 4 stars; one submission).

Conditions:
Ichthyosis linearis circumflexa. Identifiers: MedGen C0265962, MONDO:0043106, HP:0025810.

Submission:

Labcorp Genetics (formerly Invitae), Labcorp
Classification: Uncertain significance for Ichthyosis linearis circumflexa. Last evaluated: 2022-03-18. Review status: criteria provided, single submitter. Criteria: Invitae Variant Classification Sherloc (09022015). Collection method: clinical testing. Allele origin: germline.
Comment: Algorithms developed to predict the effect of sequence changes on RNA splicing suggest that this variant may create or strengthen a splice site. In summary, the available evidence is currently insufficient to determine the role of this variant in disease. Therefore, it has been classified as a Variant of Uncertain Significance. Algorithms developed to predict the effect of missense changes on protein structure and function output the following: SIFT: "Tolerated"; PolyPhen-2: "Benign"; Align-GVGD: "Class C0". The valine amino acid residue is found in multiple mammalian species, which suggests that this missense change does not adversely affect protein function. This sequence change replaces isoleucine, which is neutral and non-polar, with valine, which is neutral and non-polar, at codon 143 of the SPINK5 protein (p.Ile143Val). This variant is not present in population databases (gnomAD no frequency). This variant has not been reported in the literature in individuals affected with SPINK5-related conditions.